The following is an entry in ClinVar:

NC_000023.10:g.(?_20173516)_(20213283_?)dup

Gene: RPS6KA3 (ribosomal protein S6 kinase A3; minus strand). Cytogenetic location: Xp22.12.
Variant type: Duplication.
Identifiers: ClinVar variation 3243878 (VCV003243878.1).

ClinVar aggregate classification (germline): Uncertain significance (1 of 4 stars; one submission).

Conditions:
Coffin-Lowry syndrome (CLS). Also called: COFFIN-LOWRY SYNDROME, MILD; Mental retardation with osteocartilaginous abnormalities. Identifiers: Orphanet 192, MedGen C0265252, MONDO:0010561, OMIM 303600.
Intellectual developmental disorder, X-linked 19. Also called: Intellectual disability, X-linked 19. Identifiers: Orphanet 777, MedGen C0796225, MONDO:0010447, OMIM 300844.

Submission:

Labcorp Genetics (formerly Invitae), Labcorp
Classification: Uncertain significance for Coffin-Lowry syndrome; Intellectual developmental disorder, X-linked 19. Last evaluated: 2023-11-08. Review status: criteria provided, single submitter. Criteria: Invitae Variant Classification Sherloc (09022015). Collection method: clinical testing. Allele origin: unknown.
Comment: This variant results in a copy number gain of the genomic region encompassing exon(s) 5-22 of the RPS6KA3 gene. This region includes the termination codon of the gene. This copy number gain extends beyond the assayed region for this gene and therefore may encompass additional genes. As the precise location of this event is unknown, it may be in tandem or it may be located elsewhere in the genome. This variant has not been reported in the literature in individuals affected with RPS6KA3-related conditions. In summary, the available evidence is currently insufficient to determine the role of this variant in disease. Therefore, it has been classified as a Variant of Uncertain Significance.